The following is an entry in ClinVar:

NM_000503.6(EYA1):c.1273C>G (p.Arg425Gly)

Gene: EYA1 (EYA transcriptional coactivator and phosphatase 1; minus strand). Cytogenetic location: 8q13.3.
Variant type: single nucleotide variant.
Coding change: c.1273C>G on transcript NM_000503.6 (MANE Select); coding-DNA position 1273, C replaced by G.
Protein change: p.Arg425Gly; replaces arginine 425 with glycine.
Molecular consequence: missense variant.
Genome position (GRCh38, 1-based): chr8:71,216,779, G>C on the plus strand (C>G on the coding strand, the complement: EYA1 is on the minus strand). VCF-style: chr8-71216779-G-C. GRCh37 (hg19) VCF-style: chr8-72129014-G-C.
Other names: c.1255C>G, p.Arg419Gly (NM_001288574.2, NM_172059.5); c.907C>G, p.Arg303Gly (NM_001288575.2); c.1360C>G, p.Arg454Gly (NM_001370333.1); c.1273C>G, p.Arg425Gly (NM_001370334.1, NM_001370335.1, NM_172058.4); c.1252C>G, p.Arg418Gly (NM_001370336.1); c.1174C>G, p.Arg392Gly (NM_001411797.1, NM_172060.4); short protein forms R303G, R419G, R454G, R418G, R392G, R425G.
Identifiers: ClinVar variation 2721037 (VCV002721037.4), dbSNP rs779423947, ClinGen allele CA371466755.

ClinVar aggregate classification (germline): Uncertain significance. Review status: criteria provided, multiple submitters, no conflicts (2 of 4 stars). 2 submissions from 2 submitters: Uncertain significance (2). Last evaluated 2023-01-26.

Conditions:
Melnick-Fraser syndrome (BOR). Also called: Branchiootorenal Syndrome (BORS); Branchiootorenal syndrome; Branchio-oto-renal syndrome. Identifiers: Orphanet 107, MedGen C0265234, MONDO:0007029.

Allele frequency attached by ClinVar (database versions not stated): gnomAD 0.00001.
gnomAD v4.1: 2 of 1,613,918 alleles (0.00012%); highest among the groups gnomAD compares: Non-Finnish European, 0.00017%; no homozygotes.

Submissions (2):

Labcorp Genetics (formerly Invitae), Labcorp
Classification: Uncertain significance for Melnick-Fraser syndrome. Last evaluated: 2023-01-26. Review status: criteria provided, single submitter. Criteria: Invitae Variant Classification Sherloc (09022015). Collection method: clinical testing. Allele origin: germline.
Comment: In summary, the available evidence is currently insufficient to determine the role of this variant in disease. Therefore, it has been classified as a Variant of Uncertain Significance. Algorithms developed to predict the effect of sequence changes on RNA splicing suggest that this variant may disrupt the consensus splice site. Advanced modeling of protein sequence and biophysical properties (such as structural, functional, and spatial information, amino acid conservation, physicochemical variation, residue mobility, and thermodynamic stability) performed at Invitae indicates that this missense variant is not expected to disrupt EYA1 protein function. This variant has not been reported in the literature in individuals affected with EYA1-related conditions. This variant is not present in population databases (gnomAD no frequency). This sequence change replaces arginine, which is basic and polar, with glycine, which is neutral and non-polar, at codon 425 of the EYA1 protein (p.Arg425Gly).

Blueprint Genetics
Classification: Uncertain significance. Last evaluated: 2019-12-18. Review status: criteria provided, single submitter. Criteria: ACMG Guidelines, 2015. Collection method: clinical testing. Allele origin: germline.